The following is an entry in ClinVar:

ClinVar aggregate classification (germline): Likely benign. Review status: criteria provided, multiple submitters, no conflicts (2 of 4 stars). 2 submissions from 2 submitters: Likely benign (2). Last evaluated 2025-07-20.

Conditions:
Duchenne muscular dystrophy (DMD). Also called: MUSCULAR DYSTROPHY, PSEUDOHYPERTROPHIC PROGRESSIVE, DUCHENNE TYPE; Duchenne Muscular Dystrophy (DMD). Identifiers: Orphanet 98896, MedGen C0013264, MONDO:0010679, OMIM 310200.

Allele frequency attached by ClinVar (database versions not stated): TOPMed below 0.00001; ExAC 0.00001; gnomAD exomes 0.00002.
gnomAD v4.1: 23 of 1,210,925 alleles (0.0019%); highest among the groups gnomAD compares: East Asian, 0.0059%; no homozygotes.

Submissions (2):

Labcorp Genetics (formerly Invitae), Labcorp
Classification: Likely benign for Duchenne muscular dystrophy. Last evaluated: 2025-07-20. Review status: criteria provided, single submitter. Criteria: Invitae Variant Classification Sherloc (09022015). Collection method: clinical testing. Allele origin: germline.

Women's Health and Genetics/Laboratory Corporation of America, LabCorp
Classification: Likely benign. Last evaluated: 2025-02-10. Review status: criteria provided, single submitter. Criteria: LabCorp Variant Classification Summary - May 2015. Collection method: clinical testing. Allele origin: germline.
Comment: Variant summary: DMD c.4020C>G (p.Ile1340Met) results in a conservative amino acid change in the encoded protein sequence. Three of five in-silico tools predict a damaging effect of the variant on protein function. The variant allele was found at a frequency of 1.9e-05 in 1210925 control chromosomes, predominantly at a frequency of 2.3e-05 within the Non-Finnish European subpopulation in the gnomAD database, including 7 hemizygotes. The observed variant frequency within Non-Finnish European control individuals in the gnomAD database is approximately 2.1- fold of the estimated maximal expected allele frequency for a pathogenic variant in DMD causing Duchenne Muscular Dystrophy phenotype (1.1e-05). c.4020C>G has been reported in the literature (example: Xu_2015, Wang_2017). These report(s) do not provide unequivocal conclusions about association of the variant with Duchenne Muscular Dystrophy. To our knowledge, no experimental evidence demonstrating an impact on protein function has been reported. The following publications have been ascertained in the context of this evaluation (PMID: 25999675, 28181689). ClinVar contains an entry for this variant (Variation ID: 2064351). Based on the evidence outlined above, the variant was classified as likely benign.

Literature cited by the submitters: PubMed 25999675 (cited by Women's Health and Genetics/Laboratory Corporation of America, LabCorp); PubMed 28181689 (cited by Women's Health and Genetics/Laboratory Corporation of America, LabCorp).

NM_004006.3(DMD):c.4020C>G (p.Ile1340Met)

Gene: DMD (dystrophin; minus strand). Cytogenetic location: Xp21.1.
Variant type: single nucleotide variant.
Coding change: c.4020C>G on transcript NM_004006.3 (MANE Select); coding-DNA position 4020, C replaced by G.
Protein change: p.Ile1340Met; replaces isoleucine 1340 with methionine.
Molecular consequence: missense variant.
Genome position (GRCh38, 1-based): chrX:32,438,292, G>C on the plus strand (C>G on the coding strand, the complement: DMD is on the minus strand). VCF-style: chrX-32438292-G-C. GRCh37 (hg19) VCF-style: chrX-32456409-G-C.
Other names: c.3996C>G, p.Ile1332Met (NM_000109.4); c.4008C>G, p.Ile1336Met (NM_004009.3); c.3651C>G, p.Ile1217Met (NM_004010.3); short protein forms I1336M, I1217M, I1332M, I1340M.
Identifiers: ClinVar variation 2064351 (VCV002064351.5), dbSNP rs780700782, ClinGen allele CA10379131.
Genomic context (GRCh38, chrX:32,438,292, plus strand): 5'-TCTTCATACCTCTTCATGTAGTTCCCTCCAACGAGAATTAAATGTCTCAAGTTCCTCATT[G>C]ATTAGCTCATCCATGACTCCGCCATCTGTTAGGGTCTGTGCCAATATGCGAATCTGATTT-3'
Protein context (NP_003997.2, residues 1330-1350): LTDGGVMDEL[Ile1340Met]NEELETFNSR